The following is an entry in ClinVar:

NM_001267550.2(TTN):c.38864C>T (p.Pro12955Leu)

Gene: TTN (titin; minus strand). Cytogenetic location: 2q31.2.
Variant type: single nucleotide variant.
Coding change: c.38864C>T on transcript NM_001267550.2 (MANE Select); coding-DNA position 38864, C replaced by T.
Protein change: p.Pro12955Leu; replaces proline 12955 with leucine.
Molecular consequence: missense variant. On other transcripts: intron variant (5).
Genome position (GRCh38, 1-based): chr2:178,653,052, G>A on the plus strand (C>T on the coding strand, the complement: TTN is on the minus strand). VCF-style: chr2-178653052-G-A. GRCh37 (hg19) VCF-style: chr2-179517779-G-A.
Other names: c.13283-10735C>T (NM_003319.4); c.13859-10735C>T (NM_133437.4); c.13658-10735C>T (NM_133432.3); c.31742-511C>T (NM_133378.4); c.34523-511C>T (NM_001256850.1); short protein forms P12955L.
Identifiers: ClinVar variation 4988141 (VCV004988141.1).

ClinVar aggregate classification (germline): Uncertain significance (1 of 4 stars; one submission).

Conditions:
TTN-related disorder. Also called: TTN-related disorders; TTN-related condition; TTN-related disease.

gnomAD v4.1: 1 of 1,613,296 alleles (0.000062%); highest among the groups gnomAD compares: African/African-American, 0.0013%; no homozygotes.

Submission:

PreventionGenetics, part of Exact Sciences
Classification: Uncertain significance for TTN-related condition. Last evaluated: 2026-05-10. Review status: criteria provided, single submitter. Criteria: ACMG Guidelines, 2015. Collection method: clinical testing. Allele origin: germline.
Comment: The TTN c.38864C>T variant is predicted to result in the amino acid substitution p.Pro12955Leu. To our knowledge, this variant has not been reported in the literature or in a large population database (gnomAD), indicating this variant is rare. At this time, the clinical significance of this variant is uncertain due to the absence of conclusive functional and genetic evidence.